The following is an entry in ClinVar:

ClinVar aggregate classification (germline): Uncertain significance (1 of 4 stars; one submission).

Conditions:
Systemic lupus erythematosus, susceptibility to, 10. Also called: Systemic lupus erythematosus 10. Identifiers: MedGen C2677097, MONDO:0012834, OMIM 612251.

Allele frequency attached by ClinVar (database versions not stated): ExAC 0.00001; 1000 Genomes Project 30x 0.00016; 1000 Genomes Project 0.00020.

Submission:

Laboratorio de Genetica e Diagnostico Molecular, Hospital Israelita Albert Einstein
Classification: Uncertain significance for Systemic lupus erythematosus, susceptibility to, 10. Last evaluated: 2023-02-12. Review status: criteria provided, single submitter. Criteria: ACMG Guidelines, 2015. Collection method: clinical testing. Allele origin: germline. Affected: yes. Observed: 1 variant allele.
Comment: ACMG classification criteria: PM2 moderated, BP4 supporting

NM_001098629.3(IRF5):c.1456C>T (p.Arg486Trp)

Gene: IRF5 (interferon regulatory factor 5; plus strand). Cytogenetic location: 7q32.1.
Variant type: single nucleotide variant.
Coding change: c.1456C>T on transcript NM_001098629.3 (MANE Select); coding-DNA position 1456, C replaced by T.
Protein change: p.Arg486Trp; replaces arginine 486 with tryptophan.
Molecular consequence: missense variant.
Genome position (GRCh38, 1-based): chr7:128,948,729, C>T. VCF-style: chr7-128948729-C-T. GRCh37 (hg19) VCF-style: chr7-128588783-C-T.
Other names: c.1408C>T, p.Arg470Trp (NM_001098627.4, NM_001098630.3, NM_032643.5); c.1378C>T, p.Arg460Trp (NM_001098628.1, NM_001098631.1); c.1150C>T, p.Arg384Trp (NM_001242452.3); c.1456C>T, p.Arg486Trp (NM_001347928.2, NM_001364314.2); c.1426C>T, p.Arg476Trp (NM_002200.3); short protein forms R384W, R460W, R470W, R476W, R486W.
Identifiers: ClinVar variation 2431589 (VCV002431589.1), dbSNP rs537292247, ClinGen allele CA4477752.